The following is an entry in ClinVar:

NM_015466.4(PTPN23):c.2098C>T (p.Arg700Cys)

Gene: PTPN23 (protein tyrosine phosphatase non-receptor type 23; plus strand). Cytogenetic location: 3p21.31.
Variant type: single nucleotide variant.
Coding change: c.2098C>T on transcript NM_015466.4 (MANE Select); coding-DNA position 2098, C replaced by T.
Protein change: p.Arg700Cys; replaces arginine 700 with cysteine.
Molecular consequence: missense variant.
Genome position (GRCh38, 1-based): chr3:47,409,803, C>T. VCF-style: chr3-47409803-C-T. GRCh37 (hg19) VCF-style: chr3-47451293-C-T.
Other names: c.1720C>T, p.Arg574Cys (NM_001304482.2); short protein forms R574C, R700C.
Identifiers: ClinVar variation 1345830 (VCV001345830.6), dbSNP rs547301372, ClinGen allele CA2365909.

ClinVar aggregate classification (germline): Uncertain significance (1 of 4 stars; one submission).

Allele frequency attached by ClinVar (database versions not stated): ExAC 0.00001; gnomAD 0.00001; gnomAD exomes 0.00001; TOPMed 0.00001; 1000 Genomes Project 30x 0.00016; 1000 Genomes Project 0.00020.
gnomAD v4.1: 13 of 1,609,212 alleles (0.00081%); highest among the groups gnomAD compares: South Asian, 0.0011%; no homozygotes.

Submission:

Labcorp Genetics (formerly Invitae), Labcorp
Classification: Uncertain significance. Last evaluated: 2021-10-20. Review status: criteria provided, single submitter. Criteria: Invitae Variant Classification Sherloc (09022015). Collection method: clinical testing. Allele origin: germline.
Comment: In summary, the available evidence is currently insufficient to determine the role of this variant in disease. Therefore, it has been classified as a Variant of Uncertain Significance. Algorithms developed to predict the effect of missense changes on protein structure and function are either unavailable or do not agree on the potential impact of this missense change (SIFT: "Deleterious"; PolyPhen-2: "Not Available"; Align-GVGD: "Class C0"). This sequence change replaces arginine with cysteine at codon 700 of the PTPN23 protein (p.Arg700Cys). The arginine residue is weakly conserved and there is a large physicochemical difference between arginine and cysteine. This variant is present in population databases (rs547301372, ExAC 0.002%). This variant has not been reported in the literature in individuals affected with PTPN23-related conditions.